The following is an entry in ClinVar:

NM_000548.5(TSC2):c.1285T>A (p.Tyr429Asn)

Gene: TSC2 (TSC complex subunit 2; plus strand). Cytogenetic location: 16p13.3.
Variant type: single nucleotide variant.
Coding change: c.1285T>A on transcript NM_000548.5 (MANE Select); coding-DNA position 1285, T replaced by A.
Protein change: p.Tyr429Asn; replaces tyrosine 429 with asparagine.
Molecular consequence: missense variant.
Genome position (GRCh38, 1-based): chr16:2,062,524, T>A. VCF-style: chr16-2062524-T-A. GRCh37 (hg19) VCF-style: chr16-2112525-T-A.
Other names: c.1285T>A, p.Tyr429Asn (NM_001370405.1, NM_021055.3, NM_001077183.3 and 3 more transcripts); c.1174T>A, p.Tyr392Asn (NM_001318827.2); c.1138T>A, p.Tyr380Asn (NM_001318829.2); c.685T>A, p.Tyr229Asn (NM_001318831.2); c.1318T>A, p.Tyr440Asn (NM_001318832.2); c.1285T>A (NM_000548.3); short protein forms Y392N, Y440N, Y429N, Y229N, Y380N.
Identifiers: ClinVar variation 1487315 (VCV001487315.7), dbSNP rs2151163734, ClinGen allele CA394322006.

ClinVar aggregate classification (germline): Uncertain significance. Review status: criteria provided, multiple submitters, no conflicts (2 of 4 stars). 2 submissions from 2 submitters: Uncertain significance (2). Last evaluated 2024-03-02.

Conditions:
Tuberous sclerosis 2 (TSC2). Identifiers: Orphanet 805, MedGen C1860707, MONDO:0013199, OMIM 613254.
Hereditary cancer-predisposing syndrome. Also called: Neoplastic Syndromes, Hereditary; Tumor predisposition; Hereditary neoplastic syndrome; Hereditary Cancer Syndrome. Identifiers: Orphanet 140162, MedGen C0027672, MeSH D009386, MONDO:0015356.

Submissions (2):

Ambry Genetics
Classification: Uncertain significance for Hereditary cancer-predisposing syndrome. Last evaluated: 2024-03-02. Review status: criteria provided, single submitter. Criteria: Ambry Variant Classification Scheme 2023. Collection method: clinical testing. Allele origin: germline.
Comment: The p.Y429N variant (also known as c.1285T>A), located in coding exon 12 of the TSC2 gene, results from a T to A substitution at nucleotide position 1285. The tyrosine at codon 429 is replaced by asparagine, an amino acid with dissimilar properties. This amino acid position is conserved. In addition, this alteration is predicted to be deleterious by in silico analysis. Based on the available evidence, the clinical significance of this alteration remains unclear.

Labcorp Genetics (formerly Invitae), Labcorp
Classification: Uncertain significance for Tuberous sclerosis 2. Last evaluated: 2021-08-30. Review status: criteria provided, single submitter. Criteria: Invitae Variant Classification Sherloc (09022015). Collection method: clinical testing. Allele origin: germline.
Comment: This sequence change replaces tyrosine with asparagine at codon 429 of the TSC2 protein (p.Tyr429Asn). The tyrosine residue is highly conserved and there is a large physicochemical difference between tyrosine and asparagine. This variant is not present in population databases (ExAC no frequency). This variant has not been reported in the literature in individuals affected with TSC2-related conditions. Advanced modeling of protein sequence and biophysical properties (such as structural, functional, and spatial information, amino acid conservation, physicochemical variation, residue mobility, and thermodynamic stability) performed at Invitae indicates that this missense variant is not expected to disrupt TSC2 protein function. In summary, the available evidence is currently insufficient to determine the role of this variant in disease. Therefore, it has been classified as a Variant of Uncertain Significance.